The following is an entry in ClinVar:

ClinVar aggregate classification (germline): Uncertain significance (1 of 4 stars; one submission).

Allele frequency attached by ClinVar (database versions not stated): gnomAD exomes below 0.00001 and 0.00001; ExAC 0.00001.
gnomAD v4.1: 2 of 1,199,161 alleles (0.00017%); highest among the groups gnomAD compares: Non-Finnish European, 0.00011%; no homozygotes.

Submission:

GeneDx
Classification: Uncertain significance. Last evaluated: 2024-04-11. Review status: criteria provided, single submitter. Criteria: GeneDx Variant Classification Process June 2021. Collection method: clinical testing. Allele origin: germline. Affected: yes.
Comment: In silico analysis indicates that this missense variant does not alter protein structure/function; Has not been previously published as pathogenic or benign to our knowledge

NM_001368397.1(FRMPD4):c.1456G>A (p.Val486Met)

Gene: FRMPD4 (FERM and PDZ domain containing 4; plus strand). Cytogenetic location: Xp22.2.
Variant type: single nucleotide variant.
Coding change: c.1456G>A on transcript NM_001368397.1 (MANE Select); coding-DNA position 1456, G replaced by A.
Protein change: p.Val486Met; replaces valine 486 with methionine.
Molecular consequence: missense variant.
Genome position (GRCh38, 1-based): chrX:12,707,637, G>A. VCF-style: chrX-12707637-G-A. GRCh37 (hg19) VCF-style: chrX-12725756-G-A.
Other names: c.1567G>A, p.Val523Met (NM_001368395.3, NM_001368398.3); c.1462G>A, p.Val488Met (NM_001368396.3); c.1447G>A, p.Val483Met (NM_001368399.3); c.1336G>A, p.Val446Met (NM_001368400.3); c.1432G>A, p.Val478Met (NM_001368401.1, NM_001368402.3); c.1456G>A, p.Val486Met (NM_014728.3); short protein forms V446M, V478M, V483M, V486M, V488M, V523M.
Identifiers: ClinVar variation 1303177 (VCV001303177.3), dbSNP rs757368234, ClinGen allele CA10349298.
Genomic context (GRCh38, chrX:12,707,637, plus strand): 5'-CACGTCAACAGGATCGAAATGTTTTCCGAGGAGGAGAGCTTGGTGCGGGTAGAACTCCAC[G>A]TGCTAGATGTGAAGGCAAGTTTCTCAGGTGTTGACACATGGCCTTGCTGTCAACAGCTAA-3'
Protein context (NP_001355326.1, residues 476-496): EESLVRVELH[Val486Met]LDVKPITLLM